The following is an entry in ClinVar:

ClinVar aggregate classification (germline): Uncertain significance. Review status: criteria provided, multiple submitters, no conflicts (2 of 4 stars). 2 submissions from 2 submitters: Uncertain significance (2). Last evaluated 2025-06-12.

Conditions:
Emery-Dreifuss muscular dystrophy 4, autosomal dominant (EDMD4). Also called: EMERY-DREIFUSS MUSCULAR DYSTROPHY 4 WITH VARIABLE FEATURES. Identifiers: Orphanet 261, MedGen C2751807, MONDO:0013071, OMIM 612998.
Autosomal recessive ataxia, Beauce type. Also called: SYNE1 Deficiency; Spinocerebellar ataxia, autosomal recessive 8; ATAXIA, RECESSIVE, OF BEAUCE; SYNE1-Related Autosomal Recessive Cerebellar Ataxia. Identifiers: Orphanet 88644, MedGen C1853116, MONDO:0012549, OMIM 610743.

Allele frequency attached by ClinVar (database versions not stated): ExAC 0.00002; gnomAD exomes 0.00002.
gnomAD v4.1: 24 of 1,614,094 alleles (0.0015%); highest among the groups gnomAD compares: Admixed American, 0.0033%; no homozygotes.

Submissions (2):

Athena Diagnostics
Classification: Uncertain significance. Last evaluated: 2025-06-12. Review status: criteria provided, single submitter. Criteria: Athena Diagnostics Criteria. Collection method: clinical testing. Allele origin: unknown.
Comment: Available data are insufficient to determine the clinical significance of the variant at this time. The frequency of this variant in the general population is uninformative in assessment of its pathogenicity. Polyphen and MutationTaster yielded discordant predictions regarding whether this amino acid change is damaging to the protein.

Labcorp Genetics (formerly Invitae), Labcorp
Classification: Uncertain significance for Emery-Dreifuss muscular dystrophy 4, autosomal dominant; Autosomal recessive ataxia, Beauce type. Last evaluated: 2022-02-23. Review status: criteria provided, single submitter. Criteria: Invitae Variant Classification Sherloc (09022015). Collection method: clinical testing. Allele origin: germline.
Comment: This sequence change replaces arginine, which is basic and polar, with tryptophan, which is neutral and slightly polar, at codon 8198 of the SYNE1 protein (p.Arg8198Trp). This variant is present in population databases (rs778418319, gnomAD 0.006%). This variant has not been reported in the literature in individuals affected with SYNE1-related conditions. Algorithms developed to predict the effect of missense changes on protein structure and function are either unavailable or do not agree on the potential impact of this missense change (SIFT: "Deleterious"; PolyPhen-2: "Probably Damaging"; Align-GVGD: "Class C0"). In summary, the available evidence is currently insufficient to determine the role of this variant in disease. Therefore, it has been classified as a Variant of Uncertain Significance.

NM_182961.4(SYNE1):c.24805C>T (p.Arg8269Trp)

Gene: SYNE1 (spectrin repeat containing nuclear envelope protein 1; minus strand). Cytogenetic location: 6q25.2.
Variant type: single nucleotide variant.
Coding change: c.24805C>T on transcript NM_182961.4 (MANE Select); coding-DNA position 24805, C replaced by T.
Protein change: p.Arg8269Trp; replaces arginine 8269 with tryptophan.
Molecular consequence: missense variant.
Genome position (GRCh38, 1-based): chr6:152,148,216, G>A on the plus strand (C>T on the coding strand, the complement: SYNE1 is on the minus strand). VCF-style: chr6-152148216-G-A. GRCh37 (hg19) VCF-style: chr6-152469351-G-A.
Other names: c.24805C>T (NM_182961.2); c.1411C>T, p.Arg471Trp (NM_001347701.2); c.1270C>T, p.Arg424Trp (NM_001347702.2); c.24592C>T, p.Arg8198Trp (NM_033071.5); short protein forms R8198W, R424W, R471W, R8269W.
Identifiers: ClinVar variation 2051815 (VCV002051815.5), dbSNP rs778418319, ClinGen allele CA4053065.